The following is an entry in ClinVar:

NM_000552.5(VWF):c.4529_4531del (p.Gly1510del)

Gene: VWF (von Willebrand factor; minus strand). Cytogenetic location: 12p13.31.
Variant type: Deletion.
Coding change: c.4529_4531del on transcript NM_000552.5 (MANE Select); coding-DNA positions 4529 to 4531, 3 bases deleted (GTG; older notation c.4529_4531delGTG).
Protein change: p.Gly1510del; deletes glycine 1510.
Molecular consequence: inframe deletion.
Genome position (GRCh38, 1-based): chr12:6,018,887-6,018,889, CAC deleted on the plus strand (GTG on the coding strand, the reverse complement: VWF is on the minus strand); deleting any 3 consecutive bases within chr12:6,018,887-6,018,891 gives the same sequence; the c. name uses the placement nearest the transcript's 3' end. VCF-style (leftmost placement, unchanged base first): chr12-6018886-TCAC-T. GRCh37 (hg19) VCF-style: chr12-6128052-TCAC-T.
Other names: short protein forms G1510del.
Identifiers: ClinVar variation 4533006 (VCV004533006.1).
Genomic context (GRCh38, chr12:6,018,886, plus strand): 5'-CCCACATCCATCCGCTGAATCACCTCCTCCATGAACTCCTTGCTCCTGTTGAAGTCGGCT[TCAC>T]CAATTTTGTCCGATCCTTCCAGGACGAACGCCACATCCAGAACCATGGAGTTCCTCTTGG-3'

ClinVar aggregate classification (germline): Uncertain significance (1 of 4 stars; one submission).

Submission:

Quest Diagnostics Nichols Institute San Juan Capistrano
Classification: Uncertain significance. Last evaluated: 2025-06-11. Review status: criteria provided, single submitter. Criteria: Quest Diagnostics criteria. Collection method: clinical testing. Allele origin: unknown.
Comment: The VWF c.4529_4531del (p.Gly1510del) variant has not been reported in individuals with VWF-related conditions in the published literature. It also has not been reported in large, multi-ethnic general populations (Genome Aggregation Database). Based on the available information, we are unable to determine the clinical significance of this variant.